The following is an entry in ClinVar:

ClinVar aggregate classification (germline): Benign (1 of 4 stars; one submission).

Conditions:
Microcytic anemia with liver iron overload. Also called: Anemia, hypochromic microcytic, with iron overload 1. Identifiers: Orphanet 83642, MedGen C3806153, MONDO:0008787, OMIM 206100.

Allele frequency attached by ClinVar (database versions not stated): ExAC 0.00028; gnomAD exomes 0.00274 and 0.01948; gnomAD 0.00652 and 0.00697; TOPMed 0.01264; 1000 Genomes Project 0.01657; 1000 Genomes Project 30x 0.02077.
gnomAD v4.1: 4,147 of 1,281,862 alleles (0.32%); highest among the groups gnomAD compares: Admixed American, 8.3%; 191 homozygotes.

Submission:

Illumina Laboratory Services, Illumina
Classification: Benign for Microcytic anemia with liver iron overload. Last evaluated: 2018-01-12. Review status: criteria provided, single submitter. Criteria: ICSL Variant Classification Criteria 13 December 2019. Collection method: clinical testing. Allele origin: germline.
Comment: This variant was observed in the ICSL laboratory as part of a predisposition screen in an ostensibly healthy population. It had not been previously curated by ICSL or reported in the Human Gene Mutation Database (HGMD: prior to June 1st, 2018), and was therefore a candidate for classification through an automated scoring system. Utilizing variant allele frequency, disease prevalence and penetrance estimates, and inheritance mode, an automated score was calculated to assess if this variant is too frequent to cause the disease. Based on the score and internal cut-off values, a variant classified as benign is not then subjected to further curation. The score for this variant resulted in a classification of benign for this disease.

NM_000617.3(SLC11A2):c.-78G>A

Gene: SLC11A2 (solute carrier family 11 member 2; minus strand). Cytogenetic location: 12q13.12.
Variant type: single nucleotide variant.
Coding change: c.-78G>A on transcript NM_000617.3 (MANE Select); 78 bases upstream of the start codon, G replaced by A.
Molecular consequence: 5 prime UTR variant. On other transcripts: non-coding transcript variant (5), intron variant (3).
Genome position (GRCh38, 1-based): chr12:51,026,349, C>T on the plus strand (G>A on the coding strand, the complement: SLC11A2 is on the minus strand). VCF-style: chr12-51026349-C-T. GRCh37 (hg19) VCF-style: chr12-51420132-C-T.
Other names: c.-78G>A (NM_001174126.2); c.-73G>A (NM_001174127.2, NM_001174128.2); c.49+1828G>A (NM_001379446.1, NM_001379455.1, NM_001174125.2).
Identifiers: ClinVar variation 309327 (VCV000309327.5), dbSNP rs2301528, ClinGen allele CA6566939.